The following is an entry in ClinVar:

ClinVar aggregate classification (germline): Uncertain significance (0 of 4 stars; one submission).

Conditions:
ABCA13-related disorder. Also called: ABCA13-related condition.

Submission:

PreventionGenetics, part of Exact Sciences
Classification: Uncertain significance for ABCA13-related condition. Last evaluated: 2024-06-17. Review status: no assertion criteria provided. Collection method: clinical testing. Allele origin: germline.
Comment: The ABCA13 c.6052A>G variant is predicted to result in the amino acid substitution p.Ser2018Gly. To our knowledge, this variant has not been reported in the literature or in a large population database, indicating this variant is rare. At this time, the clinical significance of this variant is uncertain due to the absence of conclusive functional and genetic evidence.

NM_152701.5(ABCA13):c.6052A>G (p.Ser2018Gly)

Gene: ABCA13 (ATP binding cassette subfamily A member 13; plus strand). Cytogenetic location: 7p12.3.
Variant type: single nucleotide variant.
Coding change: c.6052A>G on transcript NM_152701.5 (MANE Select); coding-DNA position 6052, A replaced by G.
Protein change: p.Ser2018Gly; replaces serine 2018 with glycine.
Molecular consequence: missense variant.
Genome position (GRCh38, 1-based): chr7:48,275,718, A>G. VCF-style: chr7-48275718-A-G. GRCh37 (hg19) VCF-style: chr7-48315315-A-G.
Other names: short protein forms S2018G.
Identifiers: ClinVar variation 3353427 (VCV003353427.1).
Genomic context (GRCh38, chr7:48,275,718, plus strand): 5'-ATTTCCTCAAATTTGGAAAGGACAGTACAATTGATTTCTGAAGACTGGAGCCTAGAAAAA[A>G]GTACGCATAATCTACTCTCTTTATTCATGATGCTCCAGAATGCAAATGTCACAGGTAGCA-3'
Protein context (NP_689914.3, residues 2008-2028): LISEDWSLEK[Ser2018Gly]THNLLSLFMM